The following is an entry in ClinVar:

ClinVar aggregate classification (germline): Uncertain significance. Review status: criteria provided, single submitter (1 of 4 stars). 2 submissions from 2 submitters: Uncertain significance (1). 1 of the submissions does not count toward it. Last evaluated 2025-12-04.

Conditions:
Inborn genetic diseases. Identifiers: MedGen C0950123, MeSH D030342.

Allele frequency attached by ClinVar (database versions not stated): gnomAD exomes below 0.00001; ExAC 0.00001; TOPMed 0.00001; ESP Exome Variant Server 0.00008.

Submissions (2):

Ambry Genetics
Classification: Uncertain significance for Inborn genetic diseases. Last evaluated: 2025-12-04. Review status: criteria provided, single submitter. Criteria: Ambry Variant Classification Scheme 2023. Collection method: clinical testing. Allele origin: germline.

Department of Pathology and Laboratory Medicine, Sinai Health System
Classification: Uncertain significance. Review status: no assertion criteria provided. Collection method: clinical testing. Allele origin: unknown. Affected: yes. Study: The Canadian Open Genetics Repository (COGR). Not counted in ClinVar's aggregate classification.
Comment: The AGL p.Glu252Gly variant was not identified in the literature nor was it identified in ClinVar or LOVD 3.0. The variant was identified in dbSNP (ID: rs376231430) and in control databases in 1 of 251238 chromosomes at a frequency of 0.00000398 (Genome Aggregation Database March 6, 2019, v2.1.1). The variant was observed in the African population in 1 of 16256 chromosomes (freq: 0.000062), but was not observed in the Latino, Ashkenazi Jewish, East Asian, European (Finnish), European (non-Finnish), Other, or South Asian populations. The p.Glu252 residue is conserved in mammals and computational analyses (PolyPhen-2, SIFT, AlignGVGD, BLOSUM, MutationTaster) provide inconsistent predictions regarding the impact to the protein; this information is not very predictive of pathogenicity. The variant occurs outside of the splicing consensus sequence and in silico or computational prediction software programs (SpliceSiteFinder, MaxEntScan, NNSPLICE, GeneSplicer) do not predict a difference in splicing. In summary, based on the above information the clinical significance of this variant cannot be determined with certainty at this time. This variant is classified as a variant of uncertain significance.

NM_000642.3(AGL):c.803A>G (p.Glu268Gly)

Gene: AGL (amylo-alpha-1,6-glucosidase and 4-alpha-glucanotransferase; plus strand). Cytogenetic location: 1p21.2.
Variant type: single nucleotide variant.
Coding change: c.803A>G on transcript NM_000642.3 (MANE Select); coding-DNA position 803, A replaced by G.
Protein change: p.Glu268Gly; replaces glutamic acid 268 with glycine.
Molecular consequence: missense variant.
Genome position (GRCh38, 1-based): chr1:99,870,538, A>G. VCF-style: chr1-99870538-A-G. GRCh37 (hg19) VCF-style: chr1-100336094-A-G.
Other names: c.803A>G (NM_000642.2); c.803A>G, p.Glu268Gly (NM_000028.3, NM_000643.3, NM_000644.3 and 3 more transcripts); c.755A>G, p.Glu252Gly (NM_000646.3); c.599A>G, p.Glu200Gly (NM_001425328.1, NM_001425329.1); c.425A>G, p.Glu142Gly (NM_001425332.1); short protein forms E252G, E268G, E142G, E200G.
Identifiers: ClinVar variation 1050107 (VCV001050107.2), dbSNP rs376231430, ClinGen allele CA966267.